The following is an entry in ClinVar:

ClinVar aggregate classification (germline): Uncertain significance (1 of 4 stars; one submission).

Conditions:
Bethlem myopathy 1A. Also called: Bethlem myopathy 1; MYOPATHY, BENIGN CONGENITAL, WITH CONTRACTURES; Bethlem Muscular Dystrophy. Identifiers: Orphanet 610, MedGen CN029274, MONDO:0024530, OMIM 158810.

gnomAD v4.1: 2 of 1,596,504 alleles (0.00013%); highest among the groups gnomAD compares: Non-Finnish European, 0.00017%; no homozygotes.

Submission:

Labcorp Genetics (formerly Invitae), Labcorp
Classification: Uncertain significance for Bethlem myopathy 1A. Last evaluated: 2024-08-20. Review status: criteria provided, single submitter. Criteria: Invitae Variant Classification Sherloc (09022015). Collection method: clinical testing. Allele origin: germline.
Comment: This sequence change disrupts the translational stop signal of the COL6A2 mRNA. It is expected to extend the length of the COL6A2 protein by 85 additional amino acid residues. This variant is not present in population databases (gnomAD no frequency). This variant has not been reported in the literature in individuals affected with COL6A2-related conditions. Experimental studies and prediction algorithms are not available or were not evaluated, and the functional significance of this variant is currently unknown. In summary, the available evidence is currently insufficient to determine the role of this variant in disease. Therefore, it has been classified as a Variant of Uncertain Significance.

NM_001849.4(COL6A2):c.3058T>G (p.Ter1020Glu)

Gene: COL6A2 (collagen type VI alpha 2 chain; plus strand). Cytogenetic location: 21q22.3.
Variant type: single nucleotide variant.
Coding change: c.3058T>G on transcript NM_001849.4 (MANE Select); coding-DNA position 3058, T replaced by G.
Protein change: p.Ter1020Glu.
Molecular consequence: stop lost.
Genome position (GRCh38, 1-based): chr21:46,132,550, T>G. VCF-style: chr21-46132550-T-G. GRCh37 (hg19) VCF-style: chr21-47552464-T-G.
Identifiers: ClinVar variation 3663081 (VCV003663081.2).
Genomic context (GRCh38, chr21:46,132,550, plus strand): 5'-AAGGACTATGACAGCCTGGCGCAACCCGGCTTCTTCGACCGCTTCATCCGCTGGATCTGC[T>G]AGCGCCGCCGCCCGGGCCCCGCAGTCGAGGGTCGTGAGCCCACCCCGTCCATGGTGCTAA-3'